The following is an entry in ClinVar:

ClinVar aggregate classification (germline): Likely benign (1 of 4 stars; one submission).

Allele frequency attached by ClinVar (database versions not stated): gnomAD exomes below 0.00001; ExAC 0.00001.
gnomAD v4.1: 1 of 1,607,220 alleles (0.000062%); highest among the groups gnomAD compares: Admixed American, 0.0017%; no homozygotes.

Submission:

Laboratory for Molecular Medicine, Mass General Brigham Personalized Medicine
Classification: Likely benign. Last evaluated: 2016-09-06. Review status: criteria provided, single submitter. Criteria: LMM Criteria. Collection method: clinical testing. Allele origin: germline. Observed: 1 variant allele.
Comment: p.Ile278Ile in exon 7 of MAP2K2: This variant is not expected to have clinical significance because it does not alter an amino acid residue and is not located within the splice consensus sequence. It has been identified in 1/7050 Latino ch romosomes by the Exome Aggregation Consortium (ExAC. org; dbSNP rs766540227).

NM_030662.4(MAP2K2):c.834C>A (p.Ile278=)

Gene: MAP2K2 (mitogen-activated protein kinase kinase 2; minus strand). Cytogenetic location: 19p13.3.
Variant type: single nucleotide variant.
Coding change: c.834C>A on transcript NM_030662.4 (MANE Select); coding-DNA position 834, C replaced by A.
Protein change: p.Ile278=; no amino-acid change (isoleucine 278 retained).
Molecular consequence: synonymous variant.
Genome position (GRCh38, 1-based): chr19:4,099,286, G>T on the plus strand (C>A on the coding strand, the complement: MAP2K2 is on the minus strand). VCF-style: chr19-4099286-G-T. GRCh37 (hg19) VCF-style: chr19-4099284-G-T.
Identifiers: ClinVar variation 505321 (VCV000505321.4), dbSNP rs766540227, ClinGen allele CA9090822.